The following is an entry in ClinVar:

NM_182972.3(IRF2BP2):c.653G>T (p.Gly218Val)

Genes: IRF2BP2 (interferon regulatory factor 2 binding protein 2; minus strand), LOC129932811 (ATAC-STARR-seq lymphoblastoid silent region 1976; plus strand). Cytogenetic location: 1q42.3.
Variant type: single nucleotide variant.
Coding change: c.653G>T on transcript NM_182972.3 (MANE Select); coding-DNA position 653, G replaced by T.
Protein change: p.Gly218Val; replaces glycine 218 with valine.
Molecular consequence: missense variant.
Genome position (GRCh38, 1-based): chr1:234,608,842, C>A on the plus strand (G>T on the coding strand, the complement: IRF2BP2 is on the minus strand). VCF-style: chr1-234608842-C-A. GRCh37 (hg19) VCF-style: chr1-234744588-C-A.
Other names: c.653G>T, p.Gly218Val (NM_001077397.1); short protein forms G218V.
Identifiers: ClinVar variation 4805998 (VCV004805998.2).

ClinVar aggregate classification (germline): Uncertain significance. Review status: criteria provided, multiple submitters, no conflicts (2 of 4 stars). 2 submissions from 2 submitters: Uncertain significance (2). Last evaluated 2025-12-17.

Submissions (2):

Labcorp Genetics (formerly Invitae), Labcorp
Classification: Uncertain significance. Last evaluated: 2025-12-17. Review status: criteria provided, single submitter. Criteria: Invitae Variant Classification Sherloc (09022015). Collection method: clinical testing. Allele origin: germline.
Comment: This sequence change replaces glycine, which is neutral and non-polar, with valine, which is neutral and non-polar, at codon 218 of the IRF2BP2 protein (p.Gly218Val). This variant is not present in population databases (gnomAD no frequency). This variant has not been reported in the literature in individuals affected with IRF2BP2-related conditions. An algorithm developed to predict the effect of missense changes on protein structure and function (PolyPhen-2) suggests that this variant is likely to be tolerated. In summary, the available evidence is currently insufficient to determine the role of this variant in disease. Therefore, it has been classified as a Variant of Uncertain Significance.

Blueprint Genetics
Classification: Uncertain significance. Last evaluated: 2022-06-21. Review status: criteria provided, single submitter. Criteria: ACMG Guidelines, 2015. Collection method: clinical testing. Allele origin: germline.